The following is an entry in ClinVar:

NM_001005273.3(CHD3):c.2404C>T (p.Arg802Trp)

Gene: CHD3 (chromodomain helicase DNA binding protein 3; plus strand). Cytogenetic location: 17p13.1.
Variant type: single nucleotide variant.
Coding change: c.2404C>T on transcript NM_001005273.3 (MANE Select); coding-DNA position 2404, C replaced by T.
Protein change: p.Arg802Trp; replaces arginine 802 with tryptophan.
Molecular consequence: missense variant.
Genome position (GRCh38, 1-based): chr17:7,899,403, C>T. VCF-style: chr17-7899403-C-T. GRCh37 (hg19) VCF-style: chr17-7802721-C-T.
Other names: c.2581C>T, p.Arg861Trp (NM_001005271.3, NM_001437504.1); c.2569C>T, p.Arg857Trp (NM_001437507.1, NM_001437508.1, NM_001437509.1); c.2404C>T, p.Arg802Trp (NM_005852.4); short protein forms R802W, R857W, R861W.
Identifiers: ClinVar variation 4796769 (VCV004796769.2).

ClinVar aggregate classification (germline): Conflicting classifications of pathogenicity. Review status: criteria provided, conflicting classifications (1 of 4 stars). 2 submissions from 2 submitters: Likely pathogenic (1); Uncertain significance (1). Last evaluated 2026-02-06.

Conditions:
Snijders Blok-Campeau syndrome. Also called: INTELLECTUAL DEVELOPMENTAL DISORDER WITH MACROCEPHALY, SPEECH DELAY, AND DYSMORPHIC FACIES. Identifiers: Orphanet 599082, MedGen C4748701, MONDO:0032600, OMIM 618205.

Submissions (2):

MVZ Medizinische Genetik Mainz
Classification: Uncertain significance for Snijders Blok-Campeau syndrome. Last evaluated: 2026-02-06. Review status: criteria provided, single submitter. Criteria: UK Practice Guidelines For Variant Classification V4 01 2020. Collection method: clinical testing. Allele origin: germline. Inheritance: Autosomal dominant inheritance. Affected: yes. Observed: 1 variant allele.
Comment: ACMG Criteria: PP3_MOD,PM1_SUP,PM2_SUP,PP2

Victorian Clinical Genetics Services, Murdoch Childrens Research Institute
Classification: Likely pathogenic for Snijders Blok-Campeau syndrome. Last evaluated: 2026-02-06. Review status: criteria provided, single submitter. Criteria: ACMG Guidelines, 2015. Collection method: clinical testing. Allele origin: germline. Affected: yes.
Comment: This variant is classified as Likely pathogenic. Evidence in support of pathogenic classification: Variant is absent from gnomAD (v2, v3 and v4); Another missense variant comparable to the one identified in this case has limited previous evidence for pathogenicity. p.(Arg802Gln) has been classified as likely pathogenic by a clinical laboratory in ClinVar. - Missense variant predicted to be damaging by in silico tool(s) or highly conserved with a major amino acid change; Additional information: Variant is predicted to result in a missense amino acid change from Arg to Trp; This variant is heterozygous; This gene is associated with autosomal dominant disease; Alternative amino acid change at the same position are present in gnomAD (highest allele count: v4: 2 heterozygote(s), 0 homozygote(s)); Previous evidence of pathogenicity for this variant is inconclusive. No published evidence of segregation with disease has been identified for this variant; No published functional evidence has been identified for this variant; Variant is located in the annotated SNF2-related domain (DECIPHER); Loss of function and gain of function are known mechanisms of disease in this gene and are associated with Snijders Blok-Campeau syndrome (MIM#618205); however, no clear genotype-phenotype correlations have been identified to determine how both overactivity and underactivity of CHD3 can result in the same phenotype (PMID: 32483341) - Variants in this gene are known to have variable expressivity. Variable expressivity has been reported including inheritance from mildly affected parents (PMID: 35346573).

Literature cited by the submitters: PubMed 32483341 (cited by Victorian Clinical Genetics Services, Murdoch Childrens Research Institute); PubMed 35346573 (cited by Victorian Clinical Genetics Services, Murdoch Childrens Research Institute).